The following is an entry in ClinVar:

ClinVar aggregate classification (germline): Uncertain significance. Review status: criteria provided, multiple submitters, no conflicts (2 of 4 stars). 2 submissions from 2 submitters: Uncertain significance (2). Last evaluated 2023-03-23.

Conditions:
Familial thoracic aortic aneurysm and aortic dissection (TAAD). Also called: Thoracic aortic aneurysms and dissections. Identifiers: Orphanet 91387, MedGen C4707243, MONDO:0019625.
Ehlers-Danlos syndrome, kyphoscoliotic type 1 (EDSKSCL1). Also called: EHLERS-DANLOS SYNDROME, TYPE VIA; PLOD1-Related Kyphoscoliotic Ehlers-Danlos Syndrome; EHLERS-DANLOS SYNDROME, OCULAR-SCOLIOTIC TYPE; Ehlers-Danlos syndrome, hydroxylysine-deficient. Identifiers: Orphanet 1900, MedGen C0268342, MONDO:0016002, OMIM 225400. Disease mechanism: loss of function.

Allele frequency attached by ClinVar (database versions not stated): gnomAD 0.00002; TOPMed 0.00002; ESP Exome Variant Server 0.00008.

Submissions (2):

Ambry Genetics
Classification: Uncertain significance for Familial thoracic aortic aneurysm and aortic dissection. Last evaluated: 2023-03-23. Review status: criteria provided, single submitter. Criteria: Ambry Variant Classification Scheme 2023. Collection method: clinical testing. Allele origin: germline.
Comment: The p.R307W variant (also known as c.919C>T), located in coding exon 9 of the PLOD1 gene, results from a C to T substitution at nucleotide position 919. The arginine at codon 307 is replaced by tryptophan, an amino acid with dissimilar properties. This amino acid position is highly conserved in available vertebrate species. In addition, the in silico prediction for this alteration is inconclusive. Since supporting evidence is limited at this time, the clinical significance of this alteration remains unclear.

Labcorp Genetics (formerly Invitae), Labcorp
Classification: Uncertain significance for Ehlers-Danlos syndrome, kyphoscoliotic type 1. Last evaluated: 2022-10-26. Review status: criteria provided, single submitter. Criteria: Invitae Variant Classification Sherloc (09022015). Collection method: clinical testing. Allele origin: germline.
Comment: This sequence change replaces arginine, which is basic and polar, with tryptophan, which is neutral and slightly polar, at codon 307 of the PLOD1 protein (p.Arg307Trp). This variant is present in population databases (rs370736543, gnomAD 0.005%). This variant has not been reported in the literature in individuals affected with PLOD1-related conditions. ClinVar contains an entry for this variant (Variation ID: 1446093). Advanced modeling of protein sequence and biophysical properties (such as structural, functional, and spatial information, amino acid conservation, physicochemical variation, residue mobility, and thermodynamic stability) performed at Invitae indicates that this missense variant is not expected to disrupt PLOD1 protein function. In summary, the available evidence is currently insufficient to determine the role of this variant in disease. Therefore, it has been classified as a Variant of Uncertain Significance.

NM_000302.4(PLOD1):c.919C>T (p.Arg307Trp)

Gene: PLOD1 (procollagen-lysine,2-oxoglutarate 5-dioxygenase 1; plus strand). Cytogenetic location: 1p36.22.
Variant type: single nucleotide variant.
Coding change: c.919C>T on transcript NM_000302.4 (MANE Select); coding-DNA position 919, C replaced by T.
Protein change: p.Arg307Trp; replaces arginine 307 with tryptophan.
Molecular consequence: missense variant.
Genome position (GRCh38, 1-based): chr1:11,958,591, C>T. VCF-style: chr1-11958591-C-T. GRCh37 (hg19) VCF-style: chr1-12018648-C-T.
Other names: c.1060C>T, p.Arg354Trp (NM_001316320.2); c.919C>T (NM_000302.3); short protein forms R307W, R354W.
Identifiers: ClinVar variation 1446093 (VCV001446093.6), dbSNP rs370736543, ClinGen allele CA598195.
Genomic context (GRCh38, chr1:11,958,591, plus strand): 5'-ACGGTCCTGGTCGGCGTGTTCATCGAACAGCCCACGCCGTTTGTGTCCCTGTTCTTCCAG[C>T]GGCTCCTGCGGCTCCACTACCCCCAGAAACACATGCGACTTTTCATCCACAACCACGTGA-3'
Protein context (NP_000293.2, residues 297-317): PTPFVSLFFQ[Arg307Trp]LLRLHYPQKH